The following is an entry in ClinVar:

NM_000238.4(KCNH2):c.2713G>A (p.Val905Met)

Gene: KCNH2 (potassium voltage-gated channel subfamily H member 2; minus strand). Cytogenetic location: 7q36.1.
Variant type: single nucleotide variant.
Coding change: c.2713G>A on transcript NM_000238.4 (MANE Select); coding-DNA position 2713, G replaced by A.
Protein change: p.Val905Met; replaces valine 905 with methionine.
Molecular consequence: missense variant.
Genome position (GRCh38, 1-based): chr7:150,947,858, C>T on the plus strand (G>A on the coding strand, the complement: KCNH2 is on the minus strand). VCF-style: chr7-150947858-C-T. GRCh37 (hg19) VCF-style: chr7-150644946-C-T.
Other names: c.2425G>A, p.Val809Met (NM_001406753.1); c.1693G>A, p.Val565Met (NM_172057.3); short protein forms V565M, V809M, V905M.
Identifiers: ClinVar variation 3073586 (VCV003073586.3), dbSNP rs1190723187, ClinGen allele CA369853533.

ClinVar aggregate classification (germline): Uncertain significance. Review status: criteria provided, multiple submitters, no conflicts (2 of 4 stars). 3 submissions from 3 submitters: Uncertain significance (3). Last evaluated 2026-01-23.

Conditions:
Cardiovascular phenotype. Identifiers: MedGen CN230736.
Cardiac arrhythmia. Also called: Arrhythmia; Cardiac rhythm disease. Identifiers: MedGen C0003811, MONDO:0007263, HP:0011675.
Long QT syndrome (LQTS). Identifiers: MedGen C0023976, MeSH D008133, MONDO:0002442. Disease mechanism: loss of function. Inheritance: Various modes of inheritance.

Allele frequency attached by ClinVar (database versions not stated): gnomAD 0.00001; gnomAD exomes 0.00001.
gnomAD v4.1: 8 of 1,528,906 alleles (0.00052%); highest among the groups gnomAD compares: East Asian, 0.02%; no homozygotes.

Submissions (3):

Ambry Genetics
Classification: Uncertain significance for Cardiovascular phenotype. Last evaluated: 2026-01-23. Review status: criteria provided, single submitter. Criteria: Ambry Variant Classification Scheme 2023. Collection method: clinical testing. Allele origin: germline.
Comment: The p.V905M variant (also known as c.2713G>A), located in coding exon 12 of the KCNH2 gene, results from a G to A substitution at nucleotide position 2713. The valine at codon 905 is replaced by methionine, an amino acid with highly similar properties. This variant was reported in a cohort of individuals with features consistent with long QT syndrome; however, clinical details were limited (Walsh R et al. Genet Med, 2021 Jan;23:47-58). This amino acid position is not well conserved in available vertebrate species. In addition, the in silico prediction for this alteration is inconclusive. Based on the available evidence, the clinical significance of this variant remains unclear.

Color Diagnostics, LLC DBA Color Health
Classification: Uncertain significance for Cardiac arrhythmia. Last evaluated: 2024-12-16. Review status: criteria provided, single submitter. Criteria: ACMG Guidelines, 2015. Collection method: clinical testing. Allele origin: germline.
Comment: This missense variant replaces valine with methionine at codon 905 of the KCNH2 protein. Computational prediction is inconclusive regarding the impact of this variant on protein structure and function. To our knowledge, functional studies have not been reported for this variant. This variant has been reported in two individuals with long QT syndrome (PMID: 32893267). This variant has been identified in 1/31354 chromosomes in the general population by the Genome Aggregation Database (gnomAD). The available evidence is insufficient to determine the role of this variant in disease conclusively. Therefore, this variant is classified as a Variant of Uncertain Significance.

All of Us Research Program, National Institutes of Health
Classification: Uncertain significance for Long QT syndrome. Last evaluated: 2023-10-02. Review status: criteria provided, single submitter. Criteria: ACMG Guidelines, 2015. Collection method: clinical testing. Allele origin: germline. Inheritance: Autosomal dominant inheritance. Observed: 1 variant allele, 1 heterozygote.
Comment: This missense variant replaces valine with methionine at codon 905 of the KCNH2 protein. Computational prediction is inconclusive regarding the impact of this variant on protein structure and function (internally defined REVEL score threshold 0.5 < inconclusive < 0.7, PMID: 27666373). To our knowledge, functional studies have not been reported for this variant. This variant has been reported in two individuals with long QT syndrome (PMID: 32893267). This variant has been identified in 1/31354 chromosomes in the general population by the Genome Aggregation Database (gnomAD). The available evidence is insufficient to determine the role of this variant in disease conclusively. Therefore, this variant is classified as a Variant of Uncertain Significance.

This study involves interpretation of variants in research participants for the purpose of population health screening. Participant phenotype was not available at the time of variant classification. Additional details can be found in publication PMID: 35346344, PMCID: PMC8962531

Literature cited by the submitters: PubMed 32893267 (cited by 3 submitters).